The following is an entry in ClinVar:

ClinVar aggregate classification (germline): Uncertain significance (1 of 4 stars; one submission).

Conditions:
Retinitis pigmentosa 12 (RP12). Also called: RP WITH OR WITHOUT PPRPE; RP WITH OR WITHOUT PRESERVED PARAARTERIOLE RETINAL PIGMENT EPITHELIUM; RETINITIS PIGMENTOSA WITH OR WITHOUT PARAARTERIOLAR PRESERVATION OF RETINAL PIGMENT EPITHELIUM. Identifiers: Orphanet 791, MedGen C1838647, MONDO:0010818, OMIM 600105.

Submission:

Ocular Genomics Institute, Massachusetts Eye and Ear
Classification: Uncertain significance for Retinitis pigmentosa 12. Last evaluated: 2021-04-08. Review status: criteria provided, single submitter. Criteria: ACMG Guidelines, 2015. Collection method: research. Allele origin: germline. Affected: yes.
Comment: Through a review of available evidence we were able to apply the following criteria: PM2. Based on this evidence we have classified this variant as Variant of Uncertain Significance.

NM_201253.3(CRB1):c.2560G>T (p.Asp854Tyr)

Gene: CRB1 (crumbs cell polarity complex component 1; plus strand). Cytogenetic location: 1q31.3.
Variant type: single nucleotide variant.
Coding change: c.2560G>T on transcript NM_201253.3 (MANE Select); coding-DNA position 2560, G replaced by T.
Protein change: p.Asp854Tyr; replaces aspartic acid 854 with tyrosine.
Molecular consequence: missense variant. On other transcripts: non-coding transcript variant (2), intron variant (1).
Genome position (GRCh38, 1-based): chr1:197,427,885, G>T. VCF-style: chr1-197427885-G-T. GRCh37 (hg19) VCF-style: chr1-197397015-G-T.
Other names: c.2224G>T, p.Asp742Tyr (NM_001193640.2); c.2353G>T, p.Asp785Tyr (NM_001257965.2); c.2128+5929G>T (NM_001257966.2); short protein forms D742Y, D785Y, D854Y.
Identifiers: ClinVar variation 1065762 (VCV001065762.1), dbSNP rs1553261618, ClinGen allele CA344038280.